The following is an entry in ClinVar:

NM_172364.5(CACNA2D4):c.2489T>C (p.Met830Thr)

Gene: CACNA2D4 (calcium voltage-gated channel auxiliary subunit alpha2delta 4; minus strand). Cytogenetic location: 12p13.33.
Variant type: single nucleotide variant.
Coding change: c.2489T>C on transcript NM_172364.5 (MANE Select); coding-DNA position 2489, T replaced by C.
Protein change: p.Met830Thr; replaces methionine 830 with threonine.
Molecular consequence: missense variant.
Genome position (GRCh38, 1-based): chr12:1,840,801, A>G on the plus strand (T>C on the coding strand, the complement: CACNA2D4 is on the minus strand). VCF-style: chr12-1840801-A-G. GRCh37 (hg19) VCF-style: chr12-1949967-A-G.
Other names: c.2489T>C (NM_172364.4); short protein forms M830T.
Identifiers: ClinVar variation 1025347 (VCV001025347.9), dbSNP rs1293713568, ClinGen allele CA383357259.

ClinVar aggregate classification (germline): Conflicting classifications of pathogenicity. Review status: criteria provided, conflicting classifications (1 of 4 stars). 2 submissions from 2 submitters: Uncertain significance (1); Likely benign (1). Last evaluated 2025-05-25.

Conditions:
Inborn genetic diseases. Identifiers: MedGen C0950123, MeSH D030342.

Allele frequency attached by ClinVar (database versions not stated): TOPMed below 0.00001; gnomAD 0.00001; gnomAD exomes 0.00002.
gnomAD v4.1: 26 of 1,613,306 alleles (0.0016%); highest among the groups gnomAD compares: Non-Finnish European, 0.0022%; no homozygotes.

Submissions (2):

Ambry Genetics
Classification: Likely benign for Inborn genetic diseases. Last evaluated: 2025-05-25. Review status: criteria provided, single submitter. Criteria: Ambry Variant Classification Scheme 2023. Collection method: clinical testing. Allele origin: germline.

Labcorp Genetics (formerly Invitae), Labcorp
Classification: Uncertain significance. Last evaluated: 2022-04-15. Review status: criteria provided, single submitter. Criteria: Invitae Variant Classification Sherloc (09022015). Collection method: clinical testing. Allele origin: germline.
Comment: In summary, the available evidence is currently insufficient to determine the role of this variant in disease. Therefore, it has been classified as a Variant of Uncertain Significance. Algorithms developed to predict the effect of missense changes on protein structure and function output the following: SIFT: "Tolerated"; PolyPhen-2: "Benign"; Align-GVGD: "Class C0". The threonine amino acid residue is found in multiple mammalian species, which suggests that this missense change does not adversely affect protein function. ClinVar contains an entry for this variant (Variation ID: 1025347). This variant has not been reported in the literature in individuals affected with CACNA2D4-related conditions. This variant is present in population databases (no rsID available, gnomAD 0.01%). This sequence change replaces methionine, which is neutral and non-polar, with threonine, which is neutral and polar, at codon 830 of the CACNA2D4 protein (p.Met830Thr).